The following is an entry in ClinVar:

ClinVar aggregate classification (germline): Benign/Likely benign. Review status: criteria provided, multiple submitters, no conflicts (2 of 4 stars). 3 submissions from 3 submitters: Benign (1); Likely benign (2). Last evaluated 2025-10-01.

Conditions:
Lung cancer. Also called: Malignant tumor of lung; Lung cancer, somatic. Identifiers: MedGen C0242379, MONDO:0008903, OMIM 211980.
Hereditary cancer-predisposing syndrome. Also called: Hereditary neoplastic syndrome; Tumor predisposition; Neoplastic Syndromes, Hereditary; Hereditary Cancer Syndrome. Identifiers: Orphanet 140162, MedGen C0027672, MeSH D009386, MONDO:0015356.
EGFR-related lung cancer (EGFR). Identifiers: MedGen CN130014.

gnomAD v4.1: 18 of 1,614,198 alleles (0.0011%); highest among the groups gnomAD compares: East Asian, 0.04%; no homozygotes.

Submissions (3):

Labcorp Genetics (formerly Invitae), Labcorp
Classification: Likely benign for EGFR-related lung cancer. Last evaluated: 2025-10-01. Review status: criteria provided, single submitter. Criteria: Invitae Variant Classification Sherloc (09022015). Collection method: clinical testing. Allele origin: germline.

Myriad Genetics, Inc.
Classification: Benign for Lung cancer. Last evaluated: 2024-10-16. Review status: criteria provided, single submitter. Criteria: Myriad Autosomal Dominant, Autosomal Recessive and X-Linked Classification Criteria (2023). Collection method: clinical testing. Allele origin: unknown.
Comment: This variant is considered benign. This variant is a silent/synonymous amino acid change and it is not expected to impact splicing.

Ambry Genetics
Classification: Likely benign for Hereditary cancer-predisposing syndrome. Last evaluated: 2024-05-12. Review status: criteria provided, single submitter. Criteria: Ambry Variant Classification Scheme 2023. Collection method: clinical testing. Allele origin: germline.

NM_005228.5(EGFR):c.2407C>A (p.Arg803=)

Genes: EGFR (epidermal growth factor receptor; plus strand), EGFR-AS1 (EGFR antisense RNA 1; minus strand). Cytogenetic location: 7p11.2.
Variant type: single nucleotide variant.
Coding change: c.2407C>A on transcript NM_005228.5 (MANE Select); coding-DNA position 2407, C replaced by A.
Protein change: p.Arg803=; no amino-acid change (arginine 803 retained).
Molecular consequence: synonymous variant. On other transcripts: non-coding transcript variant (1).
Genome position (GRCh38, 1-based): chr7:55,181,416, C>A. VCF-style: chr7-55181416-C-A. GRCh37 (hg19) VCF-style: chr7-55249109-C-A.
Other names: c.2272C>A, p.Arg758= (NM_001346897.2, NM_001346899.2); c.2407C>A, p.Arg803= (NM_001346898.2); c.2248C>A, p.Arg750= (NM_001346900.2); c.1606C>A, p.Arg536= (NM_001346941.2); c.2407C>A (NM_005228.3).
Identifiers: ClinVar variation 1504163 (VCV001504163.10), dbSNP rs1215679186, ClinGen allele CA455165228.
Genomic context (GRCh38, chr7:55,181,416, plus strand): 5'-ACCTCCACCGTGCAGCTCATCACGCAGCTCATGCCCTTCGGCTGCCTCCTGGACTATGTC[C>A]GGGAACACAAAGACAATATTGGCTCCCAGTACCTGCTCAACTGGTGTGTGCAGATCGCAA-3'
Protein context (NP_005219.2, residues 793-813): MPFGCLLDYV[Arg803=]EHKDNIGSQY